The following is an entry in ClinVar:

NM_000352.6(ABCC8):c.1606T>C (p.Phe536Leu)

Gene: ABCC8 (ATP binding cassette subfamily C member 8; minus strand). Cytogenetic location: 11p15.1.
Variant type: single nucleotide variant.
Coding change: c.1606T>C on transcript NM_000352.6 (MANE Select); coding-DNA position 1606, T replaced by C.
Protein change: p.Phe536Leu; replaces phenylalanine 536 with leucine.
Molecular consequence: missense variant. On other transcripts: non-coding transcript variant (1).
Genome position (GRCh38, 1-based): chr11:17,442,744, A>G on the plus strand (T>C on the coding strand, the complement: ABCC8 is on the minus strand). VCF-style: chr11-17442744-A-G. GRCh37 (hg19) VCF-style: chr11-17464291-A-G.
Other names: c.1606T>C, p.Phe536Leu (NM_001287174.3, NM_001351295.2); c.1603T>C, p.Phe535Leu (NM_001351296.2, NM_001351297.2); short protein forms F536L, F535L.
Identifiers: ClinVar variation 35605 (VCV000035605.3), dbSNP rs193922396, ClinGen allele CA213438.

ClinVar aggregate classification (germline): Likely pathogenic (1 of 4 stars; one submission).

Conditions:
Neonatal diabetes mellitus (NDM). Identifiers: Orphanet 224, MedGen C0158981, MONDO:0016391.

Submission:

Women's Health and Genetics/Laboratory Corporation of America, LabCorp
Classification: Likely pathogenic for Neonatal Diabetes Mellitus. Last evaluated: 2011-08-18. Review status: criteria provided, single submitter. Criteria: LabCorp Variant Classification Summary - May 2015. Collection method: curation, clinical testing. Allele origin: germline. Inheritance: autosomal unknown. Affected: yes.
ClinVar note: Converted during submission from likely pathogenic to Likely pathogenic.